The following is an entry in ClinVar:

ClinVar aggregate classification (germline): Benign. Review status: criteria provided, multiple submitters, no conflicts (2 of 4 stars). 2 submissions from 2 submitters: Benign (2). Last evaluated 2018-06-14.

Allele frequency attached by ClinVar (database versions not stated): 1000 Genomes Project 0.53614; 1000 Genomes Project 30x 0.53732; gnomAD 0.61526 and 0.61869; TOPMed 0.61750; gnomAD exomes 0.65612.
gnomAD v4.1: 281,949 of 439,116 alleles (64%); highest among the groups gnomAD compares: Non-Finnish European, 70%; 92,086 homozygotes.

Submissions (2):

GeneDx
Classification: Benign. Last evaluated: 2018-06-14. Review status: criteria provided, single submitter. Criteria: GeneDx Variant Classification (06012015). Collection method: clinical testing. Allele origin: germline. Affected: yes.
Comment: This variant is considered likely benign or benign based on one or more of the following criteria: it is a conservative change, it occurs at a poorly conserved position in the protein, it is predicted to be benign by multiple in silico algorithms, and/or has population frequency not consistent with disease.

Breakthrough Genomics
Classification: Benign. Review status: criteria provided, single submitter. Criteria: ACMG Guidelines, 2015. Collection method: not provided. Allele origin: germline. Inheritance: Autosomal dominant inheritance. Affected: yes.

NM_006939.4(SOS2):c.510+146G>A

Gene: SOS2 (SOS Ras/Rho guanine nucleotide exchange factor 2; minus strand). Cytogenetic location: 14q21.3.
Variant type: single nucleotide variant.
Coding change: c.510+146G>A on transcript NM_006939.4 (MANE Select); 146 bases into the intron after coding-DNA position 510, G replaced by A.
Molecular consequence: intron variant.
Genome position (GRCh38, 1-based): chr14:50,199,545, C>T on the plus strand (G>A on the coding strand, the complement: SOS2 is on the minus strand). VCF-style: chr14-50199545-C-T. GRCh37 (hg19) VCF-style: chr14-50666263-C-T.
Identifiers: ClinVar variation 561541 (VCV000561541.2), dbSNP rs1955924, ClinGen allele CA260721467.